The following continues an entry in ClinVar:

NM_000256.3(MYBPC3):c.2308+1G>A

Gene: MYBPC3. ClinVar aggregate classification (germline): Pathogenic. Pathogenic (12).

Submissions 11 to 16 of 16:

Laboratory for Molecular Medicine, Mass General Brigham Personalized Medicine
Classification: Pathogenic for Hypertrophic cardiomyopathy. Last evaluated: 2011-08-11. Review status: criteria provided, single submitter. Criteria: LMM Criteria. Collection method: clinical testing. Allele origin: germline. Observed: 1 variant allele.
Comment: The 2308+1A>G variant has ben reported in a large number of individuals with HCM and was absent from at least 1000 control chromosomes tested (Oliva-Sandoval 20 10, Richard 2003, Carrier 1997, Ehlermann 2008, Gandjbakch 2010). This variant is predicted to cause abnormal splicing because the nucleotide substitution occ urs in the highly conserved splice consensus sequence. Abnormal splicing can le ad to loss of function of the affected allele, which is an established disease m echanism for the MYBPC3 HCM patients. In summary, this variant meets our criteri a for pathogenicity based upon segregation studi es, absence from controls and prevalence of loss of function variants in HCM pat ients.

Clinical Genetics Service, Universitary Hospital 12 de Octubre
Classification: Pathogenic for Hypertrophic cardiomyopathy 4. Review status: criteria provided, single submitter. Criteria: ACMG Guidelines, 2015. Collection method: clinical testing. Allele origin: germline. Affected: yes.

CSER _CC_NCGL, University of Washington
Classification: Pathogenic for Cardiomyopathy, hypertrophic. Last evaluated: 2014-06-01. Review status: no assertion criteria provided. Collection method: research. Allele origin: germline. Inheritance: Autosomal dominant inheritance. Study: ESP 6500 variant annotation. Not counted in ClinVar's aggregate classification.
Comment: Variants classified for the Actionable exomic incidental findings in 6503 participants: challenges of variant classification manuscript

OMIM
Classification: Pathogenic for CARDIOMYOPATHY, FAMILIAL HYPERTROPHIC, 4. Last evaluated: 1997-03-01. Review status: no assertion criteria provided. Collection method: literature only. Allele origin: germline. Not counted in ClinVar's aggregate classification.

Clinical Genetics, Academic Medical Center
Classification: Pathogenic. Review status: no assertion criteria provided. Collection method: clinical testing. Allele origin: germline. Affected: yes. Study: VKGL Data-share Consensus. Not counted in ClinVar's aggregate classification.

Joint Genome Diagnostic Labs from Nijmegen and Maastricht, Radboudumc and MUMC+
Classification: Pathogenic. Review status: no assertion criteria provided. Collection method: clinical testing. Allele origin: germline. Affected: yes. Study: VKGL Data-share Consensus. Not counted in ClinVar's aggregate classification.

Literature cited by the submitters: PubMed 9048664 (cited by 8 submitters); PubMed 16199542 (cited by Ambry Genetics and Mayo Clinic Laboratories, Mayo Clinic); PubMed 18957093 (cited by 7 submitters); PubMed 21088121 (cited by 6 submitters); PubMed 26914223 (cited by Ambry Genetics and Mayo Clinic Laboratories, Mayo Clinic); PubMed 27532257 (cited by Ambry Genetics and Mayo Clinic Laboratories, Mayo Clinic); PubMed 16199547 (cited by Labcorp Genetics (formerly Invitae), Labcorp); PubMed 19574547 (cited by Labcorp Genetics (formerly Invitae), Labcorp); PubMed 12707239 (cited by 3 submitters); PubMed 28029522 (cited by Women's Health and Genetics/Laboratory Corporation of America, LabCorp); PubMed 25637381 (cited by Mayo Clinic Laboratories, Mayo Clinic); PubMed 29247119 (cited by Mayo Clinic Laboratories, Mayo Clinic); PubMed 30550750 (cited by Mayo Clinic Laboratories, Mayo Clinic); PubMed 30847666 (cited by Mayo Clinic Laboratories, Mayo Clinic); PubMed 31513939 (cited by Mayo Clinic Laboratories, Mayo Clinic); PubMed 33673806 (cited by Mayo Clinic Laboratories, Mayo Clinic).